The following is an entry in ClinVar:

NM_004006.3(DMD):c.4220C>A (p.Pro1407His)

Gene: DMD (dystrophin; minus strand). Cytogenetic location: Xp21.1.
Variant type: single nucleotide variant.
Coding change: c.4220C>A on transcript NM_004006.3 (MANE Select); coding-DNA position 4220, C replaced by A.
Protein change: p.Pro1407His; replaces proline 1407 with histidine.
Molecular consequence: missense variant.
Genome position (GRCh38, 1-based): chrX:32,411,765, G>T on the plus strand (C>A on the coding strand, the complement: DMD is on the minus strand). VCF-style: chrX-32411765-G-T. GRCh37 (hg19) VCF-style: chrX-32429882-G-T.
Other names: c.4196C>A, p.Pro1399His (NM_000109.4); c.4208C>A, p.Pro1403His (NM_004009.3); c.3851C>A, p.Pro1284His (NM_004010.3); c.197C>A, p.Pro66His (NM_004011.4); c.188C>A, p.Pro63His (NM_004012.4); short protein forms P1399H, P1403H, P1407H, P63H, P66H, P1284H.
Identifiers: ClinVar variation 2918871 (VCV002918871.3), dbSNP rs772752496, ClinGen allele CA412666023.

ClinVar aggregate classification (germline): Uncertain significance (1 of 4 stars; one submission).

Conditions:
Duchenne muscular dystrophy (DMD). Also called: MUSCULAR DYSTROPHY, PSEUDOHYPERTROPHIC PROGRESSIVE, DUCHENNE TYPE; Duchenne Muscular Dystrophy (DMD). Identifiers: Orphanet 98896, MedGen C0013264, MONDO:0010679, OMIM 310200.

Submission:

Labcorp Genetics (formerly Invitae), Labcorp
Classification: Uncertain significance for Duchenne muscular dystrophy. Last evaluated: 2023-02-16. Review status: criteria provided, single submitter. Criteria: Invitae Variant Classification Sherloc (09022015). Collection method: clinical testing. Allele origin: germline.
Comment: This variant has not been reported in the literature in individuals affected with DMD-related conditions. This sequence change replaces proline, which is neutral and non-polar, with histidine, which is basic and polar, at codon 1407 of the DMD protein (p.Pro1407His). This variant is not present in population databases (gnomAD no frequency). Advanced modeling of protein sequence and biophysical properties (such as structural, functional, and spatial information, amino acid conservation, physicochemical variation, residue mobility, and thermodynamic stability) performed at Invitae indicates that this missense variant is not expected to disrupt DMD protein function. In summary, the available evidence is currently insufficient to determine the role of this variant in disease. Therefore, it has been classified as a Variant of Uncertain Significance.